The following is an entry in ClinVar:

ClinVar aggregate classification (germline): Benign/Likely benign. Review status: criteria provided, multiple submitters, no conflicts (2 of 4 stars). 6 submissions from 6 submitters: Benign (3); Likely benign (3). Last evaluated 2026-01-28.

Conditions:
Kidney disorder. Also called: Kidney disease; Kidney Diseases; renal disorder; Nephropathy; renal disease. Identifiers: MedGen C0022658, MONDO:0005240, HP:0000112.
Nephronophthisis. Also called: Juvenile Nephronophthisis. Identifiers: Orphanet 655, MedGen C0687120, MONDO:0019005, HP:0000090.

Allele frequency attached by ClinVar (database versions not stated): gnomAD exomes 0.00034 and 0.00086; ExAC 0.00107; gnomAD 0.00312; ESP Exome Variant Server 0.00408; TOPMed 0.00413; 1000 Genomes Project 0.00439; 1000 Genomes Project 30x 0.00484.
gnomAD v4.1: 1,044 of 1,613,976 alleles (0.065%); highest among the groups gnomAD compares: African/African-American, 1.2%; 6 homozygotes.

Submissions (6):

Labcorp Genetics (formerly Invitae), Labcorp
Classification: Benign for Nephronophthisis. Last evaluated: 2026-01-28. Review status: criteria provided, single submitter. Criteria: Invitae Variant Classification Sherloc (09022015). Collection method: clinical testing. Allele origin: germline.

Mayo Clinic Laboratories, Mayo Clinic
Classification: Likely benign. Last evaluated: 2025-05-07. Review status: criteria provided, single submitter. Criteria: ACMG Guidelines, 2015. Collection method: clinical testing. Allele origin: germline. Observed: 3 variant alleles.
Comment: BA1, BP4, BP7

Blueprint Genetics
Classification: Likely benign. Last evaluated: 2024-09-18. Review status: criteria provided, single submitter. Criteria: ACMG Guidelines, 2015. Collection method: clinical testing. Allele origin: germline.

Genome Diagnostics Laboratory, The Hospital for Sick Children
Classification: Likely benign for Kidney disorder. Last evaluated: 2017-02-06. Review status: criteria provided, single submitter. Criteria: ACMG Guidelines, 2015. Collection method: clinical testing. Allele origin: germline.

Breakthrough Genomics
Classification: Benign. Review status: criteria provided, single submitter. Criteria: ACMG Guidelines, 2015. Collection method: not provided. Allele origin: germline. Inheritance: Autosomal recessive inheritance. Affected: yes.

PreventionGenetics, part of Exact Sciences
Classification: Benign. Review status: criteria provided, single submitter. Criteria: ACMG Guidelines, 2015. Collection method: clinical testing. Allele origin: germline.

NM_014425.5(INVS):c.1284T>C (p.His428=)

Gene: INVS (inversin; plus strand). Cytogenetic location: 9q31.1.
Variant type: single nucleotide variant.
Coding change: c.1284T>C on transcript NM_014425.5 (MANE Select); coding-DNA position 1284, T replaced by C.
Protein change: p.His428=; no amino-acid change (histidine 428 retained).
Molecular consequence: synonymous variant. On other transcripts: non-coding transcript variant (1).
Genome position (GRCh38, 1-based): chr9:100,252,956, T>C. VCF-style: chr9-100252956-T-C. GRCh37 (hg19) VCF-style: chr9-103015238-T-C.
Other names: p.His428=; c.996T>C, p.His332= (NM_001318381.2); c.306T>C, p.His102= (NM_001318382.2).
Identifiers: ClinVar variation 260406 (VCV000260406.18), dbSNP rs77465715, ClinGen allele CA5158367.